The following is an entry in ClinVar:

ClinVar aggregate classification (germline): Uncertain significance (1 of 4 stars; one submission).

Conditions:
Multiple congenital exostosis (EXT). Also called: MULTIPLE CARTILAGINOUS EXOSTOSES; Multiple exostoses; Hereditary multiple osteochondromas; Hereditary multiple exostoses; Hereditary multiple exostosis; Multiple osteochondromas. Identifiers: Orphanet 321, MedGen C0015306, MONDO:0005508, HP:0002762.

Submission:

Labcorp Genetics (formerly Invitae), Labcorp
Classification: Uncertain significance for Multiple congenital exostosis. Last evaluated: 2024-05-06. Review status: criteria provided, single submitter. Criteria: Invitae Variant Classification Sherloc (09022015). Collection method: clinical testing. Allele origin: germline.
Comment: This sequence change replaces threonine, which is neutral and polar, with isoleucine, which is neutral and non-polar, at codon 488 of the EXT1 protein (p.Thr488Ile). This variant is not present in population databases (gnomAD no frequency). This variant has not been reported in the literature in individuals affected with EXT1-related conditions. Advanced modeling of protein sequence and biophysical properties (such as structural, functional, and spatial information, amino acid conservation, physicochemical variation, residue mobility, and thermodynamic stability) has been performed at Invitae for this missense variant, however the output from this modeling did not meet the statistical confidence thresholds required to predict the impact of this variant on EXT1 protein function. In summary, the available evidence is currently insufficient to determine the role of this variant in disease. Therefore, it has been classified as a Variant of Uncertain Significance.

NM_000127.3(EXT1):c.1463C>T (p.Thr488Ile)

Gene: EXT1 (exostosin glycosyltransferase 1; minus strand). Cytogenetic location: 8q24.11.
Variant type: single nucleotide variant.
Coding change: c.1463C>T on transcript NM_000127.3 (MANE Select); coding-DNA position 1463, C replaced by T.
Protein change: p.Thr488Ile; replaces threonine 488 with isoleucine.
Molecular consequence: missense variant.
Genome position (GRCh38, 1-based): chr8:117,819,749, G>A on the plus strand (C>T on the coding strand, the complement: EXT1 is on the minus strand). VCF-style: chr8-117819749-G-A. GRCh37 (hg19) VCF-style: chr8-118831988-G-A.
Other names: short protein forms T488I.
Identifiers: ClinVar variation 3673480 (VCV003673480.2).